The following is an entry in ClinVar:

NM_017514.5(PLXNA3):c.4021G>A (p.Ala1341Thr)

Gene: PLXNA3 (plexin A3; plus strand). Cytogenetic location: Xq28.
Variant type: single nucleotide variant.
Coding change: c.4021G>A on transcript NM_017514.5 (MANE Select); coding-DNA position 4021, G replaced by A.
Protein change: p.Ala1341Thr; replaces alanine 1341 with threonine.
Molecular consequence: missense variant.
Genome position (GRCh38, 1-based): chrX:154,468,360, G>A. VCF-style: chrX-154468360-G-A. GRCh37 (hg19) VCF-style: chrX-153696703-G-A.
Other names: short protein forms A1341T.
Identifiers: ClinVar variation 3356535 (VCV003356535.1).
Genomic context (GRCh38, chrX:154,468,360, plus strand): 5'-CAGACGCCACCCAACGTGGAGAAGGCCCTGCGCCTCTTCGGGCAGCTGCTGCACAGCCGC[G>A]CGTTCGTGCTTACCTTCATCCACACGCTGGAGGCCCAGAGCAGCTTCTCCATGCGCGACC-3'
Protein context (NP_059984.3, residues 1331-1351): RLFGQLLHSR[Ala1341Thr]FVLTFIHTLE

ClinVar aggregate classification (germline): Uncertain significance (0 of 4 stars; one submission).

Conditions:
PLXNA3-related disorder. Also called: PLXNA3-related condition.

gnomAD v4.1: 4 of 1,210,228 alleles (0.00033%); highest among the groups gnomAD compares: South Asian, 0.0018%; no homozygotes.

Submission:

PreventionGenetics, part of Exact Sciences
Classification: Uncertain significance for PLXNA3-related condition. Last evaluated: 2023-12-27. Review status: no assertion criteria provided. Collection method: clinical testing. Allele origin: germline.
Comment: The PLXNA3 c.4021G>A variant is predicted to result in the amino acid substitution p.Ala1341Thr. To our knowledge, this variant has not been reported in the literature. This variant is reported in 0.0012% of alleles in individuals of European (Non-Finnish) descent in gnomAD. At this time, the clinical significance of this variant is uncertain due to the absence of conclusive functional and genetic evidence.